The following is an entry in ClinVar:

ClinVar aggregate classification (germline): Conflicting classifications of pathogenicity. Review status: criteria provided, conflicting classifications (1 of 4 stars). 3 submissions from 3 submitters: Uncertain significance (2); Benign (1). Last evaluated 2025-12-11.

Conditions:
Hereditary cancer-predisposing syndrome. Also called: Neoplastic Syndromes, Hereditary; Hereditary Cancer Syndrome; Tumor predisposition; Hereditary neoplastic syndrome. Identifiers: Orphanet 140162, MedGen C0027672, MeSH D009386, MONDO:0015356.
BAP1-related tumor predisposition syndrome (TPDS1). Also called: TUMOR PREDISPOSITION SYNDROME 1; BAP1 tumor predisposition syndrome; Tumor susceptibility linked to germline BAP1 mutations; COMMON Syndrome. Identifiers: Orphanet 289539, MedGen C3280492, MONDO:0013692, OMIM 614327.

Allele frequency attached by ClinVar (database versions not stated): gnomAD exomes below 0.00001; ESP Exome Variant Server 0.00008.
gnomAD v4.1: 1 of 1,614,088 alleles (0.000062%); highest among the groups gnomAD compares: African/African-American, 0.0013%; no homozygotes.

Submissions (3):

Ambry Genetics
Classification: Benign for Hereditary cancer-predisposing syndrome. Last evaluated: 2025-12-11. Review status: criteria provided, single submitter. Criteria: Ambry Variant Classification Scheme 2023. Collection method: clinical testing. Allele origin: germline.

Labcorp Genetics (formerly Invitae), Labcorp
Classification: Uncertain significance for BAP1-related tumor predisposition syndrome. Last evaluated: 2025-07-17. Review status: criteria provided, single submitter. Criteria: Invitae Variant Classification Sherloc (09022015). Collection method: clinical testing. Allele origin: germline.
Comment: This sequence change replaces alanine, which is neutral and non-polar, with threonine, which is neutral and polar, at codon 428 of the BAP1 protein (p.Ala428Thr). This variant is present in population databases (rs371601284, gnomAD 0.007%). This variant has not been reported in the literature in individuals affected with BAP1-related conditions. ClinVar contains an entry for this variant (Variation ID: 1524174). Invitae Evidence Modeling of protein sequence and biophysical properties (such as structural, functional, and spatial information, amino acid conservation, physicochemical variation, residue mobility, and thermodynamic stability) indicates that this missense variant is not expected to disrupt BAP1 protein function with a negative predictive value of 80%. In summary, the available evidence is currently insufficient to determine the role of this variant in disease. Therefore, it has been classified as a Variant of Uncertain Significance.

GeneDx
Classification: Uncertain significance. Last evaluated: 2024-04-03. Review status: criteria provided, single submitter. Criteria: GeneDx Variant Classification Process June 2021. Collection method: clinical testing. Allele origin: germline. Affected: yes.
Comment: Not observed at significant frequency in large population cohorts (gnomAD); In silico analysis supports that this missense variant does not alter protein structure/function; Has not been previously published as pathogenic or benign to our knowledge

Literature cited by the submitters: PubMed 38969833 (cited by Ambry Genetics).

NM_004656.4(BAP1):c.1282G>A (p.Ala428Thr)

Gene: BAP1 (BRCA1 associated deubiquitinase 1; minus strand). Cytogenetic location: 3p21.1.
Variant type: single nucleotide variant.
Coding change: c.1282G>A on transcript NM_004656.4 (MANE Select); coding-DNA position 1282, G replaced by A.
Protein change: p.Ala428Thr; replaces alanine 428 with threonine.
Molecular consequence: missense variant.
Genome position (GRCh38, 1-based): chr3:52,403,863, C>T on the plus strand (G>A on the coding strand, the complement: BAP1 is on the minus strand). VCF-style: chr3-52403863-C-T. GRCh37 (hg19) VCF-style: chr3-52437879-C-T.
Other names: c.1282G>A (NM_004656.3); short protein forms A428T.
Identifiers: ClinVar variation 1524174 (VCV001524174.12), dbSNP rs371601284, ClinGen allele CA74740980.